The following is an entry in ClinVar:

NM_201384.3(PLEC):c.8509G>A (p.Glu2837Lys)

Gene: PLEC (plectin; minus strand). Cytogenetic location: 8q24.3.
Variant type: single nucleotide variant.
Coding change: c.8509G>A on transcript NM_201384.3 (MANE Select); coding-DNA position 8509, G replaced by A.
Protein change: p.Glu2837Lys; replaces glutamic acid 2837 with lysine.
Molecular consequence: missense variant.
Genome position (GRCh38, 1-based): chr8:143,921,312, C>T on the plus strand (G>A on the coding strand, the complement: PLEC is on the minus strand). VCF-style: chr8-143921312-C-T. GRCh37 (hg19) VCF-style: chr8-144995480-C-T.
Other names: p.Glu2823Lys; c.8590G>A, p.Glu2864Lys (NM_000445.5); c.8467G>A, p.Glu2823Lys (NM_201378.4); c.8443G>A, p.Glu2815Lys (NM_201379.3); c.8920G>A, p.Glu2974Lys (NM_201380.4); c.8413G>A, p.Glu2805Lys (NM_201381.3); c.8509G>A, p.Glu2837Lys (NM_201382.4); c.8521G>A, p.Glu2841Lys (NM_201383.3); short protein forms E2841K, E2815K, E2805K, E2823K, E2974K, E2837K, E2864K.
Identifiers: ClinVar variation 283687 (VCV000283687.61), dbSNP rs199661077, ClinGen allele CA4925281.

ClinVar aggregate classification (germline): Benign/Likely benign. Review status: criteria provided, multiple submitters, no conflicts (2 of 4 stars). 8 submissions from 8 submitters: Benign (1); Likely benign (6). 1 of the submissions does not count toward it. Last evaluated 2026-07-01.

Conditions:
PLEC-related disorder. Also called: PLEC-related condition; PLEC-related disorders.
Epidermolysis bullosa simplex with nail dystrophy (EBS5D). Identifiers: MedGen C4225309, MONDO:0014661, OMIM 616487.
Epidermolysis bullosa simplex 5C, with pyloric atresia (EBS5C). Also called: PLEC-Related Epidermolysis Bullosa with Pyloric Atresia; PLEC1-Related Epidermolysis Bullosa with Pyloric Atresia; Epidermolysis bullosa simplex with pyloric atresia. Identifiers: Orphanet 158684, MedGen C2677349, MONDO:0012807, OMIM 612138.
Autosomal recessive limb-girdle muscular dystrophy type 2Q (LGMDR17). Also called: MUSCULAR DYSTROPHY, LIMB-GIRDLE, AUTOSOMAL RECESSIVE 17. Identifiers: Orphanet 254361, MedGen C3150989, MONDO:0013390, OMIM 613723.
Epidermolysis bullosa simplex, Ogna type (EBS5A). Also called: Pidermolysis bullosa simplex 5A, Ogna type; EPIDERMOLYSIS BULLOSA SIMPLEX 5A, OGNA TYPE. Identifiers: Orphanet 79401, MedGen C0432317, MONDO:0007555, OMIM 131950.
Epidermolysis bullosa simplex 5B, with muscular dystrophy (EBS5B). Also called: EPIDERMOLYSIS BULLOSA SIMPLEX AND LIMB-GIRDLE MUSCULAR DYSTROPHY; Epidermolysis bullosa simplex with muscular dystrophy. Identifiers: Orphanet 257, MedGen C2931072, MONDO:0009181, OMIM 226670.

Allele frequency attached by ClinVar (database versions not stated): 1000 Genomes Project 0.00020; 1000 Genomes Project 30x 0.00047; gnomAD 0.00139 and 0.00146; TOPMed 0.00141; ExAC 0.00155; gnomAD exomes 0.00156 and 0.00201; ESP Exome Variant Server 0.00170.
gnomAD v4.1: 3,170 of 1,613,950 alleles (0.2%); highest among the groups gnomAD compares: Middle Eastern, 0.26%; 2 homozygotes.

Submissions (8):

CeGaT Center for Human Genetics Tuebingen
Classification: Likely benign. Last evaluated: 2026-07-01. Review status: criteria provided, single submitter. Criteria: CeGaT Center For Human Genetics Tuebingen Variant Classification Criteria Version 2. Collection method: clinical testing. Allele origin: germline. Affected: yes. Observed: 10 variant alleles.
Comment: PLEC: BP4

Labcorp Genetics (formerly Invitae), Labcorp
Classification: Likely benign for Autosomal recessive limb-girdle muscular dystrophy type 2Q; Epidermolysis bullosa simplex, Ogna type; Epidermolysis bullosa simplex with nail dystrophy; Epidermolysis bullosa simplex 5C, with pyloric atresia; Epidermolysis bullosa simplex 5B, with muscular dystrophy. Last evaluated: 2026-01-11. Review status: criteria provided, single submitter. Criteria: Invitae Variant Classification Sherloc (09022015). Collection method: clinical testing. Allele origin: germline.

Mayo Clinic Laboratories, Mayo Clinic
Classification: Likely benign. Last evaluated: 2025-07-10. Review status: criteria provided, single submitter. Criteria: ACMG Guidelines, 2015. Collection method: clinical testing. Allele origin: germline. Observed: 6 variant alleles.
Comment: BS1, BP4_moderate

Blueprint Genetics
Classification: Likely benign. Last evaluated: 2024-11-26. Review status: criteria provided, single submitter. Criteria: ACMG Guidelines, 2015. Collection method: clinical testing. Allele origin: germline.

Athena Diagnostics
Classification: Benign. Last evaluated: 2021-03-03. Review status: criteria provided, single submitter. Criteria: Athena Diagnostics criteria. Collection method: clinical testing. Allele origin: unknown.

GeneDx
Classification: Likely benign. Last evaluated: 2020-08-06. Review status: criteria provided, single submitter. Criteria: GeneDx Variant Classification Process June 2021. Collection method: clinical testing. Allele origin: germline. Affected: yes.
Comment: This variant is associated with the following publications: (PMID: 23817572, 32707200)

Eurofins Ntd Llc (ga)
Classification: Likely benign. Last evaluated: 2015-10-13. Review status: criteria provided, single submitter. Criteria: EGL Classification Definitions 2015. Collection method: clinical testing. Allele origin: germline. Observed: 3 variant alleles, 1 heterozygote.

PreventionGenetics, part of Exact Sciences
Classification: Likely benign for PLEC-related condition. Last evaluated: 2022-08-22. Review status: no assertion criteria provided. Collection method: clinical testing. Allele origin: germline. Not counted in ClinVar's aggregate classification.
Comment: This variant is classified as likely benign based on ACMG/AMP sequence variant interpretation guidelines (Richards et al. 2015 PMID: 25741868, with internal and published modifications).